The following is an entry in ClinVar:

ClinVar aggregate classification (germline): Likely benign. Review status: criteria provided, multiple submitters, no conflicts (2 of 4 stars). 2 submissions from 2 submitters: Likely benign (2). Last evaluated 2025-12-24.

Allele frequency attached by ClinVar (database versions not stated): TOPMed 0.00012.
gnomAD v4.1: 54 of 1,609,380 alleles (0.0034%); highest among the groups gnomAD compares: African/African-American, 0.032%; no homozygotes.

Submissions (2):

Labcorp Genetics (formerly Invitae), Labcorp
Classification: Likely benign. Last evaluated: 2025-12-24. Review status: criteria provided, single submitter. Criteria: Invitae Variant Classification Sherloc (09022015). Collection method: clinical testing. Allele origin: germline.

Women's Health and Genetics/Laboratory Corporation of America, LabCorp
Classification: Likely benign. Last evaluated: 2025-11-06. Review status: criteria provided, single submitter. Criteria: LabCorp Variant Classification Summary - May 2015. Collection method: clinical testing. Allele origin: germline.
Comment: Variant summary: CTDP1 c.492+8G>A alters a nucleotide located at a position not widely known to affect splicing. Consensus agreement among computation tools predict no significant impact on normal splicing. However, these predictions have yet to be confirmed by functional studies. The variant allele was found at a frequency of 8.2e-05 in 245078 control chromosomes (gnomAD). This frequency is not significantly higher than estimated for disease-causing variants in CTDP1, allowing no conclusion about variant significance. To our knowledge, no occurrence of c.492+8G>A in individuals affected with CTDP1-related conditions and no experimental evidence demonstrating its impact on protein function have been reported. ClinVar contains an entry for this variant (Variation ID: 797711). Based on the evidence outlined above, the variant was classified as likely benign.

NM_004715.5(CTDP1):c.492+8G>A

Gene: CTDP1 (CTD phosphatase subunit 1; plus strand). Cytogenetic location: 18q23.
Variant type: single nucleotide variant.
Coding change: c.492+8G>A on transcript NM_004715.5 (MANE Select); 8 bases into the intron after coding-DNA position 492, G replaced by A.
Molecular consequence: intron variant.
Genome position (GRCh38, 1-based): chr18:79,696,078, G>A. VCF-style: chr18-79696078-G-A. GRCh37 (hg19) VCF-style: chr18-77456078-G-A.
Other names: c.492+8G>A (NM_001318511.2, NM_048368.4); c.135+8G>A (NM_001202504.1).
Identifiers: ClinVar variation 797711 (VCV000797711.8), dbSNP rs187068493, ClinGen allele CA9009980.